The following is an entry in ClinVar:

NM_001134363.3(RBM20):c.2845G>T (p.Val949Leu)

Gene: RBM20 (RNA binding motif protein 20; plus strand). Cytogenetic location: 10q25.2.
Variant type: single nucleotide variant.
Coding change: c.2845G>T on transcript NM_001134363.3 (MANE Select); coding-DNA position 2845, G replaced by T.
Protein change: p.Val949Leu; replaces valine 949 with leucine.
Molecular consequence: missense variant.
Genome position (GRCh38, 1-based): chr10:110,821,464, G>T. VCF-style: chr10-110821464-G-T. GRCh37 (hg19) VCF-style: chr10-112581222-G-T.
Other names: short protein forms V949L.
Identifiers: ClinVar variation 861556 (VCV000861556.9), dbSNP rs1844908453, ClinGen allele CA378377977.

ClinVar aggregate classification (germline): Uncertain significance (1 of 4 stars; one submission).

Conditions:
Dilated cardiomyopathy 1DD (CMD1DD). Identifiers: Orphanet 154, MedGen C2750995, MONDO:0013168, OMIM 613172.

Allele frequency attached by ClinVar (database versions not stated): gnomAD exomes below 0.00001.
gnomAD v4.1: 1 of 1,551,874 alleles (0.000064%); highest among the groups gnomAD compares: African/African-American, 0.0014%; no homozygotes.

Submission:

Labcorp Genetics (formerly Invitae), Labcorp
Classification: Uncertain significance for Dilated cardiomyopathy 1DD. Last evaluated: 2019-04-19. Review status: criteria provided, single submitter. Criteria: Invitae Variant Classification Sherloc (09022015). Collection method: clinical testing. Allele origin: germline.
Comment: This sequence change replaces valine with leucine at codon 949 of the RBM20 protein (p.Val949Leu). The valine residue is highly conserved and there is a small physicochemical difference between valine and leucine. This variant is not present in population databases (ExAC no frequency). This variant has not been reported in the literature in individuals with RBM20-related conditions. Algorithms developed to predict the effect of missense changes on protein structure and function are either unavailable or do not agree on the potential impact of this missense change (SIFT: "Deleterious"; PolyPhen-2: "Benign"; Align-GVGD: "Class C0"). In summary, the available evidence is currently insufficient to determine the role of this variant in disease. Therefore, it has been classified as a Variant of Uncertain Significance.